The following is an entry in ClinVar:

ClinVar aggregate classification (germline): Uncertain significance (1 of 4 stars; one submission).

Conditions:
Inborn genetic diseases. Identifiers: MedGen C0950123, MeSH D030342.

Submission:

Ambry Genetics
Classification: Uncertain significance for Inborn genetic diseases. Last evaluated: 2025-03-14. Review status: criteria provided, single submitter. Criteria: Ambry Variant Classification Scheme 2023. Collection method: clinical testing. Allele origin: germline.
Comment: The p.A329V variant (also known as c.986C>T), located in coding exon 7 of the KDM1A gene, results from a C to T substitution at nucleotide position 986. The alanine at codon 329 is replaced by valine, an amino acid with similar properties. This amino acid position is conserved. In addition, this alteration is predicted to be deleterious by in silico analysis. Based on the available evidence, the clinical significance of this variant remains unclear.

NM_001009999.3(KDM1A):c.986C>T (p.Ala329Val)

Gene: KDM1A (lysine demethylase 1A; plus strand). Cytogenetic location: 1p36.12.
Variant type: single nucleotide variant.
Coding change: c.986C>T on transcript NM_001009999.3 (MANE Select); coding-DNA position 986, C replaced by T.
Protein change: p.Ala329Val; replaces alanine 329 with valine.
Molecular consequence: missense variant.
Genome position (GRCh38, 1-based): chr1:23,056,034, C>T. VCF-style: chr1-23056034-C-T. GRCh37 (hg19) VCF-style: chr1-23382527-C-T.
Other names: c.926C>T, p.Ala309Val (NM_001363654.2, NM_001410763.1, NM_015013.4); c.986C>T, p.Ala329Val (NM_001410762.1); short protein forms A329V, A309V.
Identifiers: ClinVar variation 3863372 (VCV003863372.1).